The following is an entry in ClinVar:

NM_001458.5(FLNC):c.664A>T (p.Met222Leu)

Gene: FLNC (filamin C; plus strand). Cytogenetic location: 7q32.1.
Variant type: single nucleotide variant.
Coding change: c.664A>T on transcript NM_001458.5 (MANE Select); coding-DNA position 664, A replaced by T.
Protein change: p.Met222Leu; replaces methionine 222 with leucine.
Molecular consequence: missense variant.
Genome position (GRCh38, 1-based): chr7:128,837,222, A>T. VCF-style: chr7-128837222-A-T. GRCh37 (hg19) VCF-style: chr7-128477276-A-T.
Other names: c.664A>T, p.Met222Leu (NM_001127487.2); short protein forms M222L.
Identifiers: ClinVar variation 1057639 (VCV001057639.10), dbSNP rs2128934074, ClinGen allele CA369221354.
Genomic context (GRCh38, chr7:128,837,222, plus strand): 5'-CTCTGCCCCGACTGGGAGGCCTGGGACCCCAACCAGCCCGTGGAGAACGCCCGGGAGGCC[A>T]TGCAGCAGGCCGACGACTGGCTTGGGGTGCCCCAGGTACATGCGCAGATGGGGCAGGGGG-3'
Protein context (NP_001449.3, residues 212-232): NQPVENAREA[Met222Leu]QQADDWLGVP

ClinVar aggregate classification (germline): Uncertain significance (1 of 4 stars; one submission).

Conditions:
Hypertrophic cardiomyopathy 26. Also called: Cardiomyopathy, familial hypertrophic, 26. Identifiers: Orphanet 75249, MedGen C4310749, MONDO:0014883, OMIM 617047.
Distal myopathy with posterior leg and anterior hand involvement. Also called: WILLIAMS DISTAL MYOPATHY. Identifiers: Orphanet 63273, MedGen C3279722, MONDO:0013550, OMIM 614065.
Myofibrillar myopathy 5. Also called: Filaminopathy (type); FILAMINOPATHY, AUTOSOMAL DOMINANT. Identifiers: Orphanet 171445, MedGen C1836050, MONDO:0012289, OMIM 609524.

Submission:

Labcorp Genetics (formerly Invitae), Labcorp
Classification: Uncertain significance for Distal myopathy with posterior leg and anterior hand involvement; Myofibrillar myopathy 5; Hypertrophic cardiomyopathy 26. Last evaluated: 2020-02-18. Review status: criteria provided, single submitter. Criteria: Invitae Variant Classification Sherloc (09022015). Collection method: clinical testing. Allele origin: germline.
Comment: This variant has not been reported in the literature in individuals with FLNC-related conditions. In summary, the available evidence is currently insufficient to determine the role of this variant in disease. Therefore, it has been classified as a Variant of Uncertain Significance. This variant disrupts the p.Met222 amino acid residue in FLNC. Other variant(s) that disrupt this residue have been determined to be pathogenic (PMID: 30685713). This suggests that this residue is clinically significant, and that variants that disrupt this residue are likely to be disease-causing. Algorithms developed to predict the effect of missense changes on protein structure and function are either unavailable or do not agree on the potential impact of this missense change (SIFT: "Deleterious"; PolyPhen-2: "Probably Damaging"; Align-GVGD: "Class C0"). This variant is not present in population databases (ExAC no frequency). This sequence change replaces methionine with leucine at codon 222 of the FLNC protein (p.Met222Leu). The methionine residue is highly conserved and there is a small physicochemical difference between methionine and leucine.

Literature cited by the submitters: PubMed 30685713.